The following is an entry in ClinVar:

NM_001009944.3(PKD1):c.6759_6760delinsT (p.Glu2254fs)

Gene: PKD1 (polycystin 1, transient receptor potential channel interacting; minus strand). Cytogenetic location: 16p13.3.
Variant type: Indel.
Coding change: c.6759_6760delinsT on transcript NM_001009944.3 (MANE Select); coding-DNA positions 6759 to 6760, CG replaced by T.
Protein change: p.Glu2254fs; shifts the reading frame from glutamic acid 2254.
Molecular consequence: frameshift variant.
Genome position (GRCh38, 1-based): chr16:2,108,407-2,108,408, CG replaced by A on the plus strand (CG replaced by T on the coding strand, the reverse complement: PKD1 is on the minus strand). VCF-style: chr16-2108407-CG-A. GRCh37 (hg19) VCF-style: chr16-2158408-CG-A.
Other names: c.6759_6760delinsT, p.Glu2254fs (NM_000296.4); short protein forms E2254fs.
Identifiers: ClinVar variation 1807307 (VCV001807307.1), dbSNP rs2544800523, ClinGen allele CA2580090971.
Genomic context (GRCh38, chr16:2,108,407, plus strand): 5'-GGTCCCGTGTGTCTGACCACACGCGGTATGAGCCACCCTCAATGATGGGCACCAGGCGCT[CG>A]GGGGCCACCGTCACATTGGCCTGGATGCTCTGTGTCAGTGGCGTGTCCCCAAATGACACG-3'

ClinVar aggregate classification (germline): Pathogenic (1 of 4 stars; one submission).

Submission:

Athena Diagnostics
Classification: Pathogenic. Last evaluated: 2021-08-13. Review status: criteria provided, single submitter. Criteria: Athena Diagnostics Criteria. Collection method: clinical testing. Allele origin: unknown.
Comment: This variant is expected to result in the loss of a functional protein. This variant has been identified in at least one individual tested at Athena Diagnostics with clinical features associated with this gene. This variant has not been reported in large, multi-ethnic general populations.